The following is an entry in ClinVar:

ClinVar aggregate classification (germline): Uncertain significance. Review status: criteria provided, multiple submitters, no conflicts (2 of 4 stars). 3 submissions from 3 submitters: Uncertain significance (3). Last evaluated 2024-08-30.

Conditions:
ALG9 congenital disorder of glycosylation (CDG1L). Also called: CDG Il; ALG9-CDG; CONGENITAL DISORDER OF GLYCOSYLATION, TYPE Il. Identifiers: Orphanet 79328, MedGen C2931006, MONDO:0012117, OMIM 608776.
Cutis laxa with osteodystrophy (ARCL2A). Also called: Debré-Type Cutis Laxa; CUTIS LAXA WITH CONGENITAL DISORDER OF GLYCOSYLATION; CUTIS LAXA, AUTOSOMAL RECESSIVE, TYPE IIA; CUTIS LAXA WITH BONE DYSTROPHY; CUTIS LAXA WITH GROWTH AND DEVELOPMENTAL DELAY; CUTIS LAXA WITH JOINT LAXITY AND RETARDED DEVELOPMENT. Identifiers: Orphanet 357058, MedGen C0268355, MONDO:0018163, OMIM 219200. Disease mechanism: loss of function.

Allele frequency attached by ClinVar (database versions not stated): gnomAD exomes 0.00006 and 0.00008; TOPMed 0.00006; ExAC 0.00007; gnomAD 0.00007 and 0.00008; ESP Exome Variant Server 0.00015.
gnomAD v4.1: 120 of 1,613,968 alleles (0.0074%); highest among the groups gnomAD compares: Non-Finnish European, 0.0096%; no homozygotes.

Submissions (3):

Labcorp Genetics (formerly Invitae), Labcorp
Classification: Uncertain significance for ALG9 congenital disorder of glycosylation. Last evaluated: 2024-08-30. Review status: criteria provided, single submitter. Criteria: Invitae Variant Classification Sherloc (09022015). Collection method: clinical testing. Allele origin: germline.
Comment: This sequence change replaces arginine, which is basic and polar, with glutamine, which is neutral and polar, at codon 259 of the ATP6V0A2 protein (p.Arg259Gln). This variant is present in population databases (rs377561982, gnomAD 0.01%). This variant has not been reported in the literature in individuals affected with ATP6V0A2-related conditions. ClinVar contains an entry for this variant (Variation ID: 880542). Invitae Evidence Modeling of protein sequence and biophysical properties (such as structural, functional, and spatial information, amino acid conservation, physicochemical variation, residue mobility, and thermodynamic stability) indicates that this missense variant is not expected to disrupt ATP6V0A2 protein function with a negative predictive value of 80%. In summary, the available evidence is currently insufficient to determine the role of this variant in disease. Therefore, it has been classified as a Variant of Uncertain Significance.

GeneDx
Classification: Uncertain significance. Last evaluated: 2024-07-31. Review status: criteria provided, single submitter. Criteria: GeneDx Variant Classification Process June 2021. Collection method: clinical testing. Allele origin: germline. Affected: yes.
Comment: Has not been previously published as pathogenic or benign to our knowledge; Not observed at significant frequency in large population cohorts (gnomAD); In silico analysis supports that this missense variant has a deleterious effect on protein structure/function

Illumina Laboratory Services, Illumina
Classification: Uncertain significance for Cutis laxa with osteodystrophy. Last evaluated: 2018-01-13. Review status: criteria provided, single submitter. Criteria: ICSL Variant Classification Criteria 13 December 2019. Collection method: clinical testing. Allele origin: germline.

NM_012463.4(ATP6V0A2):c.776G>A (p.Arg259Gln)

Gene: ATP6V0A2 (ATPase H+ transporting V0 subunit a2; plus strand). Cytogenetic location: 12q24.31.
Variant type: single nucleotide variant.
Coding change: c.776G>A on transcript NM_012463.4 (MANE Select); coding-DNA position 776, G replaced by A.
Protein change: p.Arg259Gln; replaces arginine 259 with glutamine.
Molecular consequence: missense variant.
Genome position (GRCh38, 1-based): chr12:123,735,575, G>A. VCF-style: chr12-123735575-G-A. GRCh37 (hg19) VCF-style: chr12-124220122-G-A.
Other names: short protein forms R259Q.
Identifiers: ClinVar variation 880542 (VCV000880542.9), dbSNP rs377561982, ClinGen allele CA6861732.